The following is an entry in ClinVar:

ClinVar aggregate classification (germline): Likely pathogenic (1 of 4 stars; one submission).

Submission:

Labcorp Genetics (formerly Invitae), Labcorp
Classification: Likely pathogenic. Last evaluated: 2018-12-14. Review status: criteria provided, single submitter. Criteria: Invitae Variant Classification Sherloc (09022015). Collection method: clinical testing. Allele origin: germline.
Comment: This variant is a deletion of the genomic region encompassing part of exon 4 (c.675_681-212del) of the ALDH3A2 gene. It is expected to disrupt RNA splicing and likely results in an absent or disrupted protein product. This variant has not been reported in the literature in individuals with ALDH3A2-related conditions. Loss-of-function variants in ALDH3A2 are known to be pathogenic (PMID: 10577908, 10854114). In summary, the currently available evidence indicates that the variant is pathogenic, but additional data are needed to prove that conclusively. Therefore, this variant has been classified as Likely Pathogenic.

NM_000382.3(ALDH3A2):c.675_681-212del

Gene: ALDH3A2 (aldehyde dehydrogenase 3 family member A2; plus strand). Cytogenetic location: 17p11.2.
Variant type: Deletion.
Coding change: c.675_681-212del on transcript NM_000382.3 (MANE Select); coding-DNA position 675 through 212 bases into the intron before coding-DNA position 681, 965 bases deleted.
Molecular consequence: splice donor variant.
Genome position (GRCh38, 1-based): chr17:19,656,569-19,657,533, 965 bases deleted. GRCh37 (hg19): chr17:19,559,882-19,560,846.
Other names: c.96_102-212del (NM_001369148.2); c.675_681-212del (NM_001369137.2, NM_001369138.2, NM_001369146.2 and 3 more transcripts).
Identifiers: ClinVar variation 659058 (VCV000659058.1), dbSNP rs1597556369, ClinGen allele CA915949634.